The following is an entry in ClinVar:

ClinVar aggregate classification (germline): Uncertain significance (1 of 4 stars; one submission).

gnomAD v4.1: 5 of 1,614,090 alleles (0.00031%); highest among the groups gnomAD compares: Non-Finnish European, 0.00042%; no homozygotes.

Submission:

GeneDx
Classification: Uncertain significance. Last evaluated: 2024-11-03. Review status: criteria provided, single submitter. Criteria: GeneDx Variant Classification Process June 2021. Collection method: clinical testing. Allele origin: germline. Affected: yes.
Comment: Not observed at significant frequency in large population cohorts (gnomAD); In silico analysis indicates that this missense variant does not alter protein structure/function; Has not been previously published as pathogenic or benign to our knowledge

NM_006946.4(SPTBN2):c.948G>C (p.Glu316Asp)

Gene: SPTBN2 (spectrin beta, non-erythrocytic 2; minus strand). Cytogenetic location: 11q13.2.
Variant type: single nucleotide variant.
Coding change: c.948G>C on transcript NM_006946.4 (MANE Select); coding-DNA position 948, G replaced by C.
Protein change: p.Glu316Asp; replaces glutamic acid 316 with aspartic acid.
Molecular consequence: missense variant.
Genome position (GRCh38, 1-based): chr11:66,710,707, C>G on the plus strand (G>C on the coding strand, the complement: SPTBN2 is on the minus strand). VCF-style: chr11-66710707-C-G. GRCh37 (hg19) VCF-style: chr11-66478178-C-G.
Other names: c.969G>C, p.Glu323Asp (NM_001411025.1); short protein forms E316D, E323D.
Identifiers: ClinVar variation 3897454 (VCV003897454.1).